The following is an entry in ClinVar:

ClinVar aggregate classification (germline): Uncertain significance (1 of 4 stars; one submission).

gnomAD v4.1: 3 of 1,614,008 alleles (0.00019%); highest among the groups gnomAD compares: Non-Finnish European, 0.00025%; no homozygotes.

Submission:

Ambry Genetics
Classification: Uncertain significance. Last evaluated: 2025-04-12. Review status: criteria provided, single submitter. Criteria: Ambry Variant Classification Scheme 2023. Collection method: clinical testing. Allele origin: germline.
Comment: The p.P411A variant (also known as c.1231C>G), located in coding exon 1 of the TET2 gene, results from a C to G substitution at nucleotide position 1231. The proline at codon 411 is replaced by alanine, an amino acid with highly similar properties. This amino acid position is conserved. In addition, this alteration is predicted to be tolerated by in silico analysis. Based on the available evidence, the clinical significance of this variant remains unclear.

NM_001127208.3(TET2):c.1231C>G (p.Pro411Ala)

Genes: TET2 (tet methylcytosine dioxygenase 2; plus strand), TET2-AS1 (TET2 antisense RNA 1; minus strand). Cytogenetic location: 4q24.
Variant type: single nucleotide variant.
Coding change: c.1231C>G on transcript NM_001127208.3 (MANE Select); coding-DNA position 1231, C replaced by G.
Protein change: p.Pro411Ala; replaces proline 411 with alanine.
Molecular consequence: missense variant.
Genome position (GRCh38, 1-based): chr4:105,235,173, C>G. VCF-style: chr4-105235173-C-G. GRCh37 (hg19) VCF-style: chr4-106156330-C-G.
Other names: c.1231C>G, p.Pro411Ala (NM_017628.4); short protein forms P411A.
Identifiers: ClinVar variation 3967556 (VCV003967556.1).